The following is an entry in ClinVar:

ClinVar aggregate classification (germline): Uncertain significance (1 of 4 stars; one submission).

Allele frequency attached by ClinVar (database versions not stated): ExAC 0.00001.
gnomAD v4.1: 17 of 1,607,668 alleles (0.0011%); highest among the groups gnomAD compares: Admixed American, 0.005%; no homozygotes.

Submission:

Women's Health and Genetics/Laboratory Corporation of America, LabCorp
Classification: Uncertain significance. Last evaluated: 2023-12-08. Review status: criteria provided, single submitter. Criteria: LabCorp Variant Classification Summary - May 2015. Collection method: clinical testing. Allele origin: germline.
Comment: Variant summary: TRIO c.1053+8C>T alters a nucleotide located close to a canonical splice site and therefore could affect mRNA splicing, leading to a significantly altered protein sequence. Consensus agreement among computation tools predict no significant impact on normal splicing. However, these predictions have yet to be confirmed by functional studies. The variant allele was found at a frequency of 1.6e-05 in 242886 control chromosomes. The available data on variant occurrences in the general population are insufficient to allow any conclusion about variant significance. To our knowledge, no occurrence of c.1053+8C>T in individuals affected with TRIO-Related Intellectual Disability and no experimental evidence demonstrating its impact on protein function have been reported. No submitters have cited clinical-significance assessments for this variant to ClinVar after 2014. Based on the evidence outlined above, the variant was classified as uncertain significance.

NM_007118.4(TRIO):c.1053+8C>T

Gene: TRIO (trio Rho guanine nucleotide exchange factor; plus strand). Cytogenetic location: 5p15.2.
Variant type: single nucleotide variant.
Coding change: c.1053+8C>T on transcript NM_007118.4 (MANE Select); 8 bases into the intron after coding-DNA position 1053, C replaced by T.
Molecular consequence: intron variant.
Genome position (GRCh38, 1-based): chr5:14,291,236, C>T. VCF-style: chr5-14291236-C-T. GRCh37 (hg19) VCF-style: chr5-14291345-C-T.
Identifiers: ClinVar variation 2691551 (VCV002691551.1), dbSNP rs754111457, ClinGen allele CA3205532.